The following is an entry in ClinVar:

NM_001162501.2(TNRC6B):c.4454C>T (p.Pro1485Leu)

Gene: TNRC6B (trinucleotide repeat containing adaptor 6B; plus strand). Cytogenetic location: 22q13.1.
Variant type: single nucleotide variant.
Coding change: c.4454C>T on transcript NM_001162501.2 (MANE Select); coding-DNA position 4454, C replaced by T.
Protein change: p.Pro1485Leu; replaces proline 1485 with leucine.
Molecular consequence: missense variant.
Genome position (GRCh38, 1-based): chr22:40,312,523, C>T. VCF-style: chr22-40312523-C-T. GRCh37 (hg19) VCF-style: chr22-40708527-C-T.
Other names: c.2042C>T, p.Pro681Leu (NM_001024843.2); c.4124C>T, p.Pro1375Leu (NM_015088.3); short protein forms P1375L, P1485L, P681L.
Identifiers: ClinVar variation 2626878 (VCV002626878.1), dbSNP rs1213114059, ClinGen allele CA411667149.
Genomic context (GRCh38, chr22:40,312,523, plus strand): 5'-TTAACGACCTTCCTTCTCTAATATTTGTTTTCCTTGTCTCAGAATTCCAACCAGGAGTGC[C>T]ATGGAAAGGTATCCAAAACATTGACCCTGAATCTGACCCCTATGTCACCCCAGGAAGTGT-3'
Protein context (NP_001155973.1, residues 1475-1495): SWPPEFQPGV[Pro1485Leu]WKGIQNIDPE

ClinVar aggregate classification (germline): Uncertain significance (1 of 4 stars; one submission).

Allele frequency attached by ClinVar (database versions not stated): gnomAD exomes below 0.00001; TOPMed below 0.00001.
gnomAD v4.1: 1 of 1,612,014 alleles (0.000062%); highest among the groups gnomAD compares: Non-Finnish European, 0.000085%; no homozygotes.

Submission:

Greenwood Genetic Center Diagnostic Laboratories, Greenwood Genetic Center
Classification: Uncertain significance. Last evaluated: 2023-08-10. Review status: criteria provided, single submitter. Criteria: ACMG Guidelines, 2015. Collection method: clinical testing. Allele origin: germline. Affected: yes.
Comment: PM2